The following is an entry in ClinVar:

ClinVar aggregate classification (germline): Pathogenic. Review status: criteria provided, multiple submitters, no conflicts (2 of 4 stars). 2 submissions from 2 submitters: Pathogenic (2). Last evaluated 2025-11-06.

Conditions:
Ataxia-telangiectasia syndrome (AT). Also called: AT, COMPLEMENTATION GROUP C; Ataxia telangiectasia (A-T); LOUIS-BAR SYNDROME; Ataxia-telangiectasia, complementation group D; Ataxia-telangiectasia, complementation group E; ATAXIA-TELANGIECTASIA, COMPLEMENTATION GROUP A. Identifiers: Orphanet 100, MedGen C0004135, MONDO:0008840, OMIM 208900.

Submissions (2):

Women's Health and Genetics/Laboratory Corporation of America, LabCorp
Classification: Pathogenic for Ataxia-telangiectasia syndrome. Last evaluated: 2025-11-06. Review status: criteria provided, single submitter. Criteria: LabCorp Variant Classification Summary - May 2015. Collection method: clinical testing. Allele origin: germline.
Comment: Variant summary: ATM c.1956_1959delTCTT (p.Leu653ArgfsX10) results in a premature termination codon, predicted to cause a truncation of the encoded protein or absence of the protein due to nonsense mediated decay, which are commonly known mechanisms for disease. The variant was absent in 251300 control chromosomes. To our knowledge, no occurrence of c.1956_1959delTCTT in individuals affected with ATM-related conditions and no experimental evidence demonstrating its impact on protein function have been reported. ClinVar contains an entry for this variant (Variation ID: 2101156). Based on the evidence outlined above, the variant was classified as pathogenic.

Labcorp Genetics (formerly Invitae), Labcorp
Classification: Pathogenic for Ataxia-telangiectasia syndrome. Last evaluated: 2024-08-26. Review status: criteria provided, single submitter. Criteria: Invitae Variant Classification Sherloc (09022015). Collection method: clinical testing. Allele origin: germline.
Comment: This sequence change creates a premature translational stop signal (p.Leu653Argfs*10) in the ATM gene. It is expected to result in an absent or disrupted protein product. Loss-of-function variants in ATM are known to be pathogenic (PMID: 23807571, 25614872). This variant is not present in population databases (gnomAD no frequency). This variant has not been reported in the literature in individuals affected with ATM-related conditions. ClinVar contains an entry for this variant (Variation ID: 2101156). Algorithms developed to predict the effect of sequence changes on RNA splicing suggest that this variant may disrupt the consensus splice site. For these reasons, this variant has been classified as Pathogenic.

Literature cited by the submitters: PubMed 23807571 (cited by Labcorp Genetics (formerly Invitae), Labcorp); PubMed 25614872 (cited by Labcorp Genetics (formerly Invitae), Labcorp).

NM_000051.4(ATM):c.1956_1959del (p.Leu653fs)

Gene: ATM (ATM serine/threonine kinase; plus strand). Cytogenetic location: 11q22.3.
Variant type: Deletion.
Coding change: c.1956_1959del on transcript NM_000051.4 (MANE Select); coding-DNA positions 1956 to 1959, 4 bases deleted (TCTT; older notation c.1956_1959delTCTT).
Protein change: p.Leu653fs; shifts the reading frame from leucine 653.
Molecular consequence: frameshift variant.
Genome position (GRCh38, 1-based): chr11:108,253,871-108,253,874, TCTT deleted; deleting any 4 consecutive bases within chr11:108,253,869-108,253,874 gives the same sequence; the c. name uses the placement nearest the transcript's 3' end. VCF-style (leftmost placement, unchanged base first): chr11-108253868-ATTTC-A. GRCh37 (hg19) VCF-style: chr11-108124595-ATTTC-A.
Other names: c.1956_1959delTCTT (NM_000051.4); c.1956_1959del, p.Leu653fs (NM_001351834.2); short protein forms L653fs.
Identifiers: ClinVar variation 2101156 (VCV002101156.5), dbSNP rs2497311606, ClinGen allele CA2580083815.